The following is an entry in ClinVar:

NM_032793.5(MFSD2A):c.257T>A (p.Leu86Gln)

Gene: MFSD2A (MFSD2 lysolipid transporter A, lysophospholipid; plus strand). Cytogenetic location: 1p34.2.
Variant type: single nucleotide variant.
Coding change: c.257T>A on transcript NM_032793.5 (MANE Select); coding-DNA position 257, T replaced by A.
Protein change: p.Leu86Gln; replaces leucine 86 with glutamine.
Molecular consequence: missense variant. On other transcripts: 5 prime UTR variant (1), non-coding transcript variant (1), intron variant (1).
Genome position (GRCh38, 1-based): chr1:39,958,729, T>A. VCF-style: chr1-39958729-T-A. GRCh37 (hg19) VCF-style: chr1-40424401-T-A.
Other names: c.296T>A, p.Leu99Gln (NM_001136493.3); c.146T>A, p.Leu49Gln (NM_001287809.2); c.251T>A, p.Leu84Gln (NM_001349821.2); c.257T>A, p.Leu86Gln (NM_001349822.2); c.-89T>A (NM_001349823.2); c.-116+3344T>A (NM_001287808.2); short protein forms L49Q, L84Q, L86Q, L99Q.
Identifiers: ClinVar variation 1305516 (VCV001305516.2), dbSNP rs2124758797, ClinGen allele CA339830554.

ClinVar aggregate classification (germline): Uncertain significance (1 of 4 stars; one submission).

Submission:

GeneDx
Classification: Uncertain significance. Last evaluated: 2019-04-29. Review status: criteria provided, single submitter. Criteria: GeneDx Variant Classification Process June 2021. Collection method: clinical testing. Allele origin: germline. Affected: yes.
Comment: Not observed in large population cohorts (Lek et al., 2016); In silico analysis, which includes splice predictors and evolutionary conservation, suggests this variant may impact gene splicing. In the absence of RNA/functional studies, the actual effect of this sequence change is unknown.; Has not been previously published as pathogenic or benign to our knowledge